The following is an entry in ClinVar:

NM_004168.4(SDHA):c.1932_1935delinsAATT (p.Val644_Ile645=)

Gene: SDHA (succinate dehydrogenase complex flavoprotein subunit A; plus strand). Cytogenetic location: 5p15.33.
Variant type: Indel.
Coding change: c.1932_1935delinsAATT on transcript NM_004168.4 (MANE Select); coding-DNA positions 1932 to 1935, GATC replaced by AATT.
Protein change: p.Val644_Ile645=.
Molecular consequence: synonymous variant.
Genome position (GRCh38, 1-based): chr5:256,357-256,360, GATC replaced by AATT. VCF-style: chr5-256357-GATC-AATT. GRCh37 (hg19) VCF-style: chr5-256472-GATC-AATT.
Other names: c.1788_1791delinsAATT, p.Val596_Ile597= (NM_001294332.2); c.1689_1692delinsAATT, p.Val563_Ile564= (NM_001330758.2).
Identifiers: ClinVar variation 3904379 (VCV003904379.1).

ClinVar aggregate classification (germline): Benign (1 of 4 stars; one submission).

Conditions:
Pheochromocytoma/paraganglioma syndrome 5. Also called: Paragangliomas 5; SDHA-Related Hereditary Paraganglioma-Pheochromocytoma Syndrome. Identifiers: Orphanet 29072, MedGen C3279992, MONDO:0013602, OMIM 614165.

Submission:

Myriad Genetics, Inc.
Classification: Benign for Pheochromocytoma/paraganglioma syndrome 5. Last evaluated: 2025-03-11. Review status: criteria provided, single submitter. Criteria: Myriad Autosomal Dominant, Autosomal Recessive and X-Linked Classification Criteria (2023). Collection method: clinical testing. Allele origin: unknown.
Comment: This variant is considered benign. This variant is a silent/synonymous amino acid change and it is not expected to impact splicing.